The following is an entry in ClinVar:

NM_016343.4(CENPF):c.346C>G (p.Gln116Glu)

Genes: CENPF (centromere protein F; plus strand), LOC126806006 (BRD4-independent group 4 enhancer GRCh37_chr1:214788162-214789361; plus strand). Cytogenetic location: 1q41.
Variant type: single nucleotide variant.
Coding change: c.346C>G on transcript NM_016343.4 (MANE Select); coding-DNA position 346, C replaced by G.
Protein change: p.Gln116Glu; replaces glutamine 116 with glutamic acid.
Molecular consequence: missense variant.
Genome position (GRCh38, 1-based): chr1:214,615,015, C>G. VCF-style: chr1-214615015-C-G. GRCh37 (hg19) VCF-style: chr1-214788358-C-G.
Other names: short protein forms Q116E.
Identifiers: ClinVar variation 1312876 (VCV001312876.5), dbSNP rs2102531522, ClinGen allele CA344826462.
Genomic context (GRCh38, chr1:214,615,015, plus strand): 5'-CAAGTGAATTTCCAGGAAGGACAACTGAATTCAGGCAAAAAACAAATAGAAAAACTGGAA[C>G]AGGAACTTAAAAGGTAATATTTTGGGATGGTATTTATAGGGATGATATTTGTATGTATTA-3'
Protein context (NP_057427.3, residues 106-126): SGKKQIEKLE[Gln116Glu]ELKRCKSELE

ClinVar aggregate classification (germline): Uncertain significance. Review status: criteria provided, multiple submitters, no conflicts (2 of 4 stars). 2 submissions from 2 submitters: Uncertain significance (2). Last evaluated 2021-01-09.

Conditions:
Stromme syndrome (STROMS). Also called: Strømme Syndrome; APPLE PEEL SYNDROME WITH MICROCEPHALY AND OCULAR ANOMALIES; Ciliary dyskinesia, primary, 31. Identifiers: Orphanet 444069, Orphanet 506307, MedGen C1855705, MONDO:0009477, OMIM 243605.

Allele frequency attached by ClinVar (database versions not stated): gnomAD exomes below 0.00001.
gnomAD v4.1: 2 of 1,598,914 alleles (0.00013%); highest among the groups gnomAD compares: Non-Finnish European, 0.00017%; no homozygotes.

Submissions (2):

Revvity Omics, Revvity
Classification: Uncertain significance for Stromme syndrome. Last evaluated: 2021-01-09. Review status: criteria provided, single submitter. Criteria: ACMG Guidelines, 2015. Collection method: clinical testing. Allele origin: germline.

GeneDx
Classification: Uncertain significance. Last evaluated: 2020-07-01. Review status: criteria provided, single submitter. Criteria: GeneDx Variant Classification Process June 2021. Collection method: clinical testing. Allele origin: germline. Affected: yes.
Comment: Not observed in large population cohorts (Lek et al., 2016); In silico analysis supports that this missense variant does not alter protein structure/function; Has not been previously published as pathogenic or benign to our knowledge